The following is an entry in ClinVar:

ClinVar aggregate classification (germline): Likely pathogenic (1 of 4 stars; one submission).

Conditions:
Parietal foramina with cleidocranial dysplasia (PFMCCD). Identifiers: Orphanet 251290, MedGen C1868597, MONDO:0008198, OMIM 168550.
Parietal foramina 1 (PFM1). Also called: FORAMINA PARIETALIA PERMAGNA; PARIETAL FORAMINA, SYMMETRIC. Identifiers: Orphanet 60015, MedGen C1868599, MONDO:0008197, OMIM 168500.

Submission:

Molecular Genetics Department, Kulakov National Medical Research Center for Obstetrics, Gynecology and Perinatology
Classification: Likely pathogenic for Parietal foramina 1; Parietal foramina with cleidocranial dysplasia. Review status: criteria provided, single submitter. Criteria: ACMG Guidelines, 2015. Collection method: clinical testing. Allele origin: germline. Affected: yes. Observed: 1 variant allele.
Comment: A previously undescribed heterozygous nucleotide variant creates a frameshift p.Arg159AlafsTer86 in the MSX2 gene. Heterozygous variants are reported in patients with parietal foramina 1, 168500; parietal foramina with cleidocranial dysplasia, 168550. The variant is not present in population database (gnomAD no frequency). In summary, the currently available evidence indicates that the variant is pathogenic, but additional data are needed to prove that conclusively. Therefore, this variant has been classified as likely pathogenic.

NM_002449.5(MSX2):c.473dup (p.Arg159fs)

Gene: MSX2 (msh homeobox 2; plus strand). Cytogenetic location: 5q35.2.
Variant type: Duplication.
Coding change: c.473dup on transcript NM_002449.5 (MANE Select); coding-DNA position 473, one base duplicated (A; older notation c.473dupA).
Protein change: p.Arg159fs; shifts the reading frame from arginine 159.
Molecular consequence: frameshift variant. On other transcripts: 3 prime UTR variant (1).
Genome position (GRCh38, 1-based): chr5:174,729,252, A duplicated. VCF-style (leftmost placement, unchanged base first): chr5-174729251-G-GA. GRCh37 (hg19) VCF-style: chr5-174156254-G-GA.
Other names: c.*97dup (NM_001363626.2); short protein forms R159fs.
Identifiers: ClinVar variation 4294501 (VCV004294501.1).